The following is an entry in ClinVar:

ClinVar aggregate classification (germline): Pathogenic (1 of 4 stars; one submission).

Conditions:
Acute myeloid leukemia (AML). Also called: Acute myeloid leukemia, adult; AML adult; Acute non-lymphocytic leukemia; Acute granulocytic leukemia; Leukemia, acute myeloid, somatic; Leukemia, acute myelogenous, somatic. Identifiers: Orphanet 519, MedGen C0023467, MeSH D015470, MONDO:0018874, OMIM 601626, HP:0004808. Disease mechanism: Constitutively activated FLT3.

Submission:

Labcorp Genetics (formerly Invitae), Labcorp
Classification: Pathogenic for Acute myeloid leukemia. Last evaluated: 2025-10-12. Review status: criteria provided, single submitter. Criteria: Invitae Variant Classification Sherloc (09022015). Collection method: clinical testing. Allele origin: germline.
Comment: This sequence change creates a premature translational stop signal (p.Ser85Lysfs*23) in the CEBPA gene. While this is not anticipated to result in nonsense mediated decay, it is expected to disrupt the last 274 amino acid(s) of the CEBPA protein. This variant is not present in population databases (gnomAD no frequency). This variant has not been reported in the literature in individuals affected with CEBPA-related conditions. This variant disrupts the production of the full length isoform (p42) of the CEBPA protein, which results in the preferential usage of an alternate downstream in-frame methionine at codon 120. Translation starting from this methionine results in a 30 kDa N-terminal truncated isoform of CEBPA that lacks the TAD1 domain, and has been shown to abrogate CEBPA function by acting as a dominant-negative allele (PMID: 11242107, 19953636, 26162409). While functional studies have not been performed to directly test the effect of this variant on CEBPA protein function, this suggests that disruption of this region of the protein is causative of disease. This variant disrupts the region of the CEBPA protein between codon 15 and 119. Other variants in this region have been observed in individuals with autosomal dominant CEBPA-related conditions (PMID: 11242107, 31867767, 32430494, internal data), which suggests that this may be a clinically significant region of the protein. For these reasons, this variant has been classified as Pathogenic.

Literature cited by the submitters: PubMed 11242107; PubMed 19953636; PubMed 26162409; PubMed 31867767; PubMed 32430494.

NM_004364.5(CEBPA):c.253dup (p.Ser85fs)

Gene: CEBPA (CCAAT enhancer binding protein alpha; minus strand). Cytogenetic location: 19q13.11.
Variant type: Duplication.
Coding change: c.253dup on transcript NM_004364.5 (MANE Select); coding-DNA position 253, one base duplicated (A; older notation c.253dupA).
Protein change: p.Ser85fs; shifts the reading frame from serine 85.
Molecular consequence: frameshift variant. On other transcripts: 5 prime UTR variant (1).
Genome position (GRCh38, 1-based): chr19:33,302,162, T duplicated on the plus strand (A on the coding strand, the reverse complement: CEBPA is on the minus strand). VCF-style (leftmost placement, unchanged base first): chr19-33302161-C-CT. GRCh37 (hg19) VCF-style: chr19-33793067-C-CT.
Other names: c.-105dup (NM_001285829.2); c.358dup, p.Ser120fs (NM_001287424.2); c.211dup, p.Ser71fs (NM_001287435.2); short protein forms S71fs, S85fs, S120fs.
Identifiers: ClinVar variation 4729019 (VCV004729019.1).